The following is an entry in ClinVar:

NM_004813.4(PEX16):c.227C>T (p.Ser76Leu)

Gene: PEX16 (peroxisomal biogenesis factor 16; minus strand). Cytogenetic location: 11p11.2.
Variant type: single nucleotide variant.
Coding change: c.227C>T on transcript NM_004813.4 (MANE Select); coding-DNA position 227, C replaced by T.
Protein change: p.Ser76Leu; replaces serine 76 with leucine.
Molecular consequence: missense variant.
Genome position (GRCh38, 1-based): chr11:45,915,835, G>A on the plus strand (C>T on the coding strand, the complement: PEX16 is on the minus strand). VCF-style: chr11-45915835-G-A. GRCh37 (hg19) VCF-style: chr11-45937386-G-A.
Other names: c.227C>T, p.Ser76Leu (NM_057174.3); short protein forms S76L.
Identifiers: ClinVar variation 1032942 (VCV001032942.4), dbSNP rs139930879, ClinGen allele CA5960033.
Genomic context (GRCh38, chr11:45,915,835, plus strand): 5'-ATGAACACCTCCACGCACTCCAGCACGCTCAGCCATGTCAGCAGCTTCTGCTGGGACAGC[G>A]ACTGCAAGAACCCCAGGCCAAGAAGTCAGGGGGCCTGGGACTACAGGGAGTCCCAGGCCC-3'
Protein context (NP_004804.2, residues 66-86): RKELRKKLPV[Ser76Leu]LSQQKLLTWL

ClinVar aggregate classification (germline): Uncertain significance. Review status: criteria provided, multiple submitters, no conflicts (2 of 4 stars). 2 submissions from 2 submitters: Uncertain significance (2). Last evaluated 2022-02-22.

Conditions:
Peroxisome biogenesis disorder 8A (Zellweger). Also called: Peroxisome biogenesis disorder 8A. Identifiers: Orphanet 912, MedGen C3553959, MONDO:0013942, OMIM 614876.
Peroxisome biogenesis disorder. Identifiers: Orphanet 79189, MedGen C1832200, MONDO:0019234. Disease mechanism: loss of function.

Allele frequency attached by ClinVar (database versions not stated): ExAC 0.00001; gnomAD 0.00001; TOPMed 0.00001; gnomAD exomes 0.00002; ESP Exome Variant Server 0.00008.

Submissions (2):

Labcorp Genetics (formerly Invitae), Labcorp
Classification: Uncertain significance for Peroxisome biogenesis disorder. Last evaluated: 2022-02-22. Review status: criteria provided, single submitter. Criteria: Invitae Variant Classification Sherloc (09022015). Collection method: clinical testing. Allele origin: germline.
Comment: This sequence change replaces serine, which is neutral and polar, with leucine, which is neutral and non-polar, at codon 76 of the PEX16 protein (p.Ser76Leu). This variant is present in population databases (rs139930879, gnomAD 0.02%). This variant has not been reported in the literature in individuals affected with PEX16-related conditions. ClinVar contains an entry for this variant (Variation ID: 1032942). Algorithms developed to predict the effect of missense changes on protein structure and function (SIFT, PolyPhen-2, Align-GVGD) all suggest that this variant is likely to be tolerated. In summary, the available evidence is currently insufficient to determine the role of this variant in disease. Therefore, it has been classified as a Variant of Uncertain Significance.

Baylor Genetics
Classification: Uncertain significance for Peroxisome biogenesis disorder 8A (Zellweger). Last evaluated: 2018-08-27. Review status: criteria provided, single submitter. Criteria: ACMG Guidelines, 2015. Collection method: clinical testing. Allele origin: paternal. Affected: yes.
Comment: This variant was determined to be of uncertain significance according to ACMG Guidelines, 2015 [PMID:25741868].